The following is an entry in ClinVar:

NM_000110.4(DPYD):c.762+1G>T

Gene: DPYD (dihydropyrimidine dehydrogenase; minus strand). Cytogenetic location: 1p21.3.
Variant type: single nucleotide variant.
Coding change: c.762+1G>T on transcript NM_000110.4 (MANE Select); the canonical splice donor site of the intron after coding-DNA position 762, G replaced by T.
Molecular consequence: splice donor variant.
Genome position (GRCh38, 1-based): chr1:97,691,716, C>A on the plus strand (G>T on the coding strand, the complement: DPYD is on the minus strand). VCF-style: chr1-97691716-C-A. GRCh37 (hg19) VCF-style: chr1-98157272-C-A.
Identifiers: ClinVar variation 4885297 (VCV004885297.2).

ClinVar aggregate classification (germline): Likely pathogenic (1 of 4 stars; one submission).

gnomAD v4.1: 1 of 1,612,834 alleles (0.000062%); highest among the groups gnomAD compares: Non-Finnish European, 0.000085%; no homozygotes.

Submission:

Dasa
Classification: Likely pathogenic. Last evaluated: 2026-01-15. Review status: criteria provided, single submitter. Criteria: DASA Assertion Criteria. Collection method: clinical testing. Allele origin: germline.
Comment: NM_000110.4(DPYD):c.762+1G>T affects a canonical splice site and is predicted to disrupt normal RNA splicing. Loss of function is an established disease mechanism for DPYD-associated disorders. Also, this variant is rare in population databases. Based on the currently available evidence, this variant is classified as likely pathogenic.